The following is an entry in ClinVar:

NM_001253697.2(ERBIN):c.3046A>G (p.Thr1016Ala)

Gene: ERBIN (erbb2 interacting protein; plus strand). Cytogenetic location: 5q12.3.
Variant type: single nucleotide variant.
Coding change: c.3046A>G on transcript NM_001253697.2 (MANE Select); coding-DNA position 3046, A replaced by G.
Protein change: p.Thr1016Ala; replaces threonine 1016 with alanine.
Molecular consequence: missense variant.
Genome position (GRCh38, 1-based): chr5:66,054,364, A>G. VCF-style: chr5-66054364-A-G. GRCh37 (hg19) VCF-style: chr5-65350192-A-G.
Other names: c.3046A>G, p.Thr1016Ala (NM_001006600.3, NM_001253698.2, NM_001253699.2 and 1 more transcripts); c.3034A>G, p.Thr1012Ala (NM_001253701.2); short protein forms T1012A, T1016A.
Identifiers: ClinVar variation 2091247 (VCV002091247.4), dbSNP rs1431508394, ClinGen allele CA359868628.
Genomic context (GRCh38, chr5:66,054,364, plus strand): 5'-CAAAATCCCCAAATAGACCATGCCAGTTTTCCTCCTCAGCTCCTTCCTAGATCAGAGAGC[A>G]CAGAAAATCAAAGTTATGCTAAACATTCTGCCAATATGAATTTCTCTAATCATAACAATG-3'
Protein context (NP_001240626.1, residues 1006-1026): PPQLLPRSES[Thr1016Ala]ENQSYAKHSA

ClinVar aggregate classification (germline): Uncertain significance (1 of 4 stars; one submission).

Submission:

Labcorp Genetics (formerly Invitae), Labcorp
Classification: Uncertain significance. Last evaluated: 2022-10-13. Review status: criteria provided, single submitter. Criteria: Invitae Variant Classification Sherloc (09022015). Collection method: clinical testing. Allele origin: germline.
Comment: In summary, the available evidence is currently insufficient to determine the role of this variant in disease. Therefore, it has been classified as a Variant of Uncertain Significance. Algorithms developed to predict the effect of missense changes on protein structure and function output the following: SIFT: "Tolerated"; PolyPhen-2: "Benign"; Align-GVGD: "Class C0". The alanine amino acid residue is found in multiple mammalian species, which suggests that this missense change does not adversely affect protein function. This variant has not been reported in the literature in individuals affected with ERBIN-related conditions. This sequence change replaces threonine, which is neutral and polar, with alanine, which is neutral and non-polar, at codon 1016 of the ERBIN protein (p.Thr1016Ala). This variant is present in population databases (no rsID available, gnomAD 0.0009%).